The following is an entry in ClinVar:

NM_001042517.2(DIAPH3):c.646C>A (p.His216Asn)

Genes: DIAPH3 (diaphanous related formin 3; minus strand), DIAPH3-AS1 (DIAPH3 antisense RNA 1; plus strand). Cytogenetic location: 13q21.2.
Variant type: single nucleotide variant.
Coding change: c.646C>A on transcript NM_001042517.2 (MANE Select); coding-DNA position 646, C replaced by A.
Protein change: p.His216Asn; replaces histidine 216 with asparagine.
Molecular consequence: missense variant.
Genome position (GRCh38, 1-based): chr13:60,016,126, G>T on the plus strand (C>A on the coding strand, the complement: DIAPH3 is on the minus strand). VCF-style: chr13-60016126-G-T. GRCh37 (hg19) VCF-style: chr13-60590260-G-T.
Other names: c.646C>A, p.His216Asn (NM_001258369.2); c.613C>A, p.His205Asn (NM_001258366.2); c.508C>A, p.His170Asn (NM_001258367.2); c.436C>A, p.His146Asn (NM_001258368.2); c.646C>A (NM_001042517.1); short protein forms H170N, H205N, H216N, H146N.
Identifiers: ClinVar variation 3011877 (VCV003011877.4), dbSNP rs770042088, ClinGen allele CA6996937.

ClinVar aggregate classification (germline): Uncertain significance. Review status: criteria provided, multiple submitters, no conflicts (2 of 4 stars). 2 submissions from 2 submitters: Uncertain significance (2). Last evaluated 2025-08-22.

Allele frequency attached by ClinVar (database versions not stated): ExAC 0.00001; gnomAD exomes 0.00001.
gnomAD v4.1: 3 of 1,613,664 alleles (0.00019%); highest among the groups gnomAD compares: Admixed American, 0.005%; no homozygotes.

Submissions (2):

Ambry Genetics
Classification: Uncertain significance. Last evaluated: 2025-08-22. Review status: criteria provided, single submitter. Criteria: Ambry Variant Classification Scheme 2023. Collection method: clinical testing. Allele origin: germline.

Labcorp Genetics (formerly Invitae), Labcorp
Classification: Uncertain significance. Last evaluated: 2025-01-20. Review status: criteria provided, single submitter. Criteria: Invitae Variant Classification Sherloc (09022015). Collection method: clinical testing. Allele origin: germline.
Comment: This sequence change replaces histidine, which is basic and polar, with asparagine, which is neutral and polar, at codon 216 of the DIAPH3 protein (p.His216Asn). This variant is present in population databases (rs770042088, gnomAD 0.01%). This variant has not been reported in the literature in individuals affected with DIAPH3-related conditions. ClinVar contains an entry for this variant (Variation ID: 3011877). An algorithm developed to predict the effect of missense changes on protein structure and function (PolyPhen-2) suggests that this variant is likely to be tolerated. In summary, the available evidence is currently insufficient to determine the role of this variant in disease. Therefore, it has been classified as a Variant of Uncertain Significance.